The following is an entry in ClinVar:

NM_173648.4(CCDC141):c.2368G>C (p.Val790Leu)

Gene: CCDC141 (coiled-coil domain containing 141; minus strand). Cytogenetic location: 2q31.2.
Variant type: single nucleotide variant.
Coding change: c.2368G>C on transcript NM_173648.4 (MANE Select); coding-DNA position 2368, G replaced by C.
Protein change: p.Val790Leu; replaces valine 790 with leucine.
Molecular consequence: missense variant.
Genome position (GRCh38, 1-based): chr2:178,869,143, C>G on the plus strand (G>C on the coding strand, the complement: CCDC141 is on the minus strand). VCF-style: chr2-178869143-C-G. GRCh37 (hg19) VCF-style: chr2-179733870-C-G.
Other names: short protein forms V790L.
Identifiers: ClinVar variation 2383487 (VCV002383487.6), dbSNP rs372596782, ClinGen allele CA2007050.

ClinVar aggregate classification (germline): Uncertain significance. Review status: criteria provided, multiple submitters, no conflicts (2 of 4 stars). 2 submissions from 2 submitters: Uncertain significance (2). Last evaluated 2025-05-21.

Allele frequency attached by ClinVar (database versions not stated): ESP Exome Variant Server 0.00008; gnomAD 0.00019; ExAC 0.00003; 1000 Genomes Project 30x 0.00016; 1000 Genomes Project 0.00020; TOPMed 0.00030.
gnomAD v4.1: 62 of 1,603,160 alleles (0.0039%); highest among the groups gnomAD compares: African/African-American, 0.062%; no homozygotes.

Submissions (2):

Labcorp Genetics (formerly Invitae), Labcorp
Classification: Uncertain significance. Last evaluated: 2025-05-21. Review status: criteria provided, single submitter. Criteria: Invitae Variant Classification Sherloc (09022015). Collection method: clinical testing. Allele origin: germline.
Comment: This sequence change replaces valine, which is neutral and non-polar, with leucine, which is neutral and non-polar, at codon 790 of the CCDC141 protein (p.Val790Leu). This variant is present in population databases (rs372596782, gnomAD 0.05%). This variant has not been reported in the literature in individuals affected with CCDC141-related conditions. ClinVar contains an entry for this variant (Variation ID: 2383487). An algorithm developed to predict the effect of missense changes on protein structure and function (PolyPhen-2) suggests that this variant is likely to be tolerated. In summary, the available evidence is currently insufficient to determine the role of this variant in disease. Therefore, it has been classified as a Variant of Uncertain Significance.

Ambry Genetics
Classification: Uncertain significance. Last evaluated: 2025-01-21. Review status: criteria provided, single submitter. Criteria: Ambry Variant Classification Scheme 2023. Collection method: clinical testing. Allele origin: germline.